The following is an entry in ClinVar:

NM_005751.5(AKAP9):c.5039A>G (p.Asn1680Ser)

Genes: AKAP9 (A-kinase anchoring protein 9; plus strand), LOC121175350 (Sharpr-MPRA regulatory region 2641; plus strand). Cytogenetic location: 7q21.2.
Variant type: single nucleotide variant.
Coding change: c.5039A>G on transcript NM_005751.5 (MANE Select); coding-DNA position 5039, A replaced by G.
Protein change: p.Asn1680Ser; replaces asparagine 1680 with serine.
Molecular consequence: missense variant.
Genome position (GRCh38, 1-based): chr7:92,042,167, A>G. VCF-style: chr7-92042167-A-G. GRCh37 (hg19) VCF-style: chr7-91671481-A-G.
Other names: c.5039A>G, p.Asn1680Ser (NM_147185.3); short protein forms N1680S.
Identifiers: ClinVar variation 2140730 (VCV002140730.7), dbSNP rs764164178, ClinGen allele CA4336714.

ClinVar aggregate classification (germline): Conflicting classifications of pathogenicity. Review status: criteria provided, conflicting classifications (1 of 4 stars). 2 submissions from 2 submitters: Uncertain significance (1); Likely benign (1). Last evaluated 2024-06-17.

Conditions:
Cardiovascular phenotype. Identifiers: MedGen CN230736.
Long QT syndrome (LQTS). Identifiers: MedGen C0023976, MeSH D008133, MONDO:0002442. Disease mechanism: loss of function. Inheritance: Various modes of inheritance.

Allele frequency attached by ClinVar (database versions not stated): gnomAD exomes 0.00003; ExAC 0.00005.
gnomAD v4.1: 37 of 1,613,920 alleles (0.0023%); highest among the groups gnomAD compares: South Asian, 0.038%; no homozygotes.

Submissions (2):

Ambry Genetics
Classification: Likely benign for Cardiovascular phenotype. Last evaluated: 2024-06-17. Review status: criteria provided, single submitter. Criteria: Ambry Variant Classification Scheme 2023. Collection method: clinical testing. Allele origin: germline.

Labcorp Genetics (formerly Invitae), Labcorp
Classification: Uncertain significance for Long QT syndrome. Last evaluated: 2022-10-25. Review status: criteria provided, single submitter. Criteria: Invitae Variant Classification Sherloc (09022015). Collection method: clinical testing. Allele origin: germline.
Comment: This sequence change replaces asparagine, which is neutral and polar, with serine, which is neutral and polar, at codon 1680 of the AKAP9 protein (p.Asn1680Ser). This variant is present in population databases (rs764164178, gnomAD 0.04%). This variant has not been reported in the literature in individuals affected with AKAP9-related conditions. Algorithms developed to predict the effect of missense changes on protein structure and function output the following: SIFT: "Tolerated"; PolyPhen-2: "Benign"; Align-GVGD: "Class C0". The serine amino acid residue is found in multiple mammalian species, which suggests that this missense change does not adversely affect protein function. In summary, the available evidence is currently insufficient to determine the role of this variant in disease. Therefore, it has been classified as a Variant of Uncertain Significance.